The following is an entry in ClinVar:

ClinVar aggregate classification (germline): Conflicting classifications of pathogenicity. Review status: criteria provided, conflicting classifications (1 of 4 stars). 5 submissions from 5 submitters: Uncertain significance (1); Benign (1); Likely benign (1). 2 of the submissions do not count toward it. Last evaluated 2026-01-28.

Conditions:
FLCN-related disorder. Also called: FLCN-related condition.
Birt-Hogg-Dube syndrome. Also called: Birt Hogg Dubé syndrome. Identifiers: Orphanet 122, MedGen C0346010, MONDO:0800444.
Carcinoma of colon (CRC). Also called: Colonic carcinoma; Colon carcinoma. Identifiers: MedGen C0699790, MONDO:0002032.
Nonpapillary renal cell carcinoma. Identifiers: Orphanet 422526, MedGen CN074294, MONDO:0007763, OMIM 144700.
Familial spontaneous pneumothorax (PSP). Identifiers: Orphanet 2903, MedGen C1868193, MONDO:0008259, OMIM 173600.
17p11.2 microduplication syndrome (PTLS). Also called: CHROMOSOME 17p11.2 DUPLICATION SYNDROME; Potocki-Lupski syndrome; Duplication 17p11.2 syndrome; Potocki-Lupski syndrome (dup(17)(p11.2p11.2)). Identifiers: Orphanet 1713, MedGen C2931246, MONDO:0012574, OMIM 610883.
Hereditary cancer-predisposing syndrome. Also called: Hereditary neoplastic syndrome; Tumor predisposition; Hereditary Cancer Syndrome; Neoplastic Syndromes, Hereditary. Identifiers: Orphanet 140162, MedGen C0027672, MeSH D009386, MONDO:0015356.

Allele frequency attached by ClinVar (database versions not stated): TOPMed 0.00002; gnomAD 0.00003.
gnomAD v4.1: 35 of 1,613,854 alleles (0.0022%); highest among the groups gnomAD compares: Admixed American, 0.058%; no homozygotes.

Submissions (5):

Labcorp Genetics (formerly Invitae), Labcorp
Classification: Likely benign for Birt-Hogg-Dube syndrome. Last evaluated: 2026-01-28. Review status: criteria provided, single submitter. Criteria: Invitae Variant Classification Sherloc (09022015). Collection method: clinical testing. Allele origin: germline.

Ambry Genetics
Classification: Benign for Hereditary cancer-predisposing syndrome. Last evaluated: 2019-07-16. Review status: criteria provided, single submitter. Criteria: Ambry Variant Classification Scheme 2023. Collection method: clinical testing. Allele origin: germline.

Fulgent Genetics
Classification: Uncertain significance for Colorectal cancer; Birt-Hogg-Dube syndrome 1; Nonpapillary renal cell carcinoma; Familial spontaneous pneumothorax; 17p11.2 microduplication syndrome. Last evaluated: 2018-10-31. Review status: criteria provided, single submitter. Criteria: ACMG Guidelines, 2015. Collection method: clinical testing. Allele origin: unknown.

PreventionGenetics, part of Exact Sciences
Classification: Likely benign for FLCN-related condition. Last evaluated: 2021-08-18. Review status: no assertion criteria provided. Collection method: clinical testing. Allele origin: germline. Not counted in ClinVar's aggregate classification.
Comment: This variant is classified as likely benign based on ACMG/AMP sequence variant interpretation guidelines (Richards et al. 2015 PMID: 25741868, with internal and published modifications).

ITMI
No classification provided. Condition: AllHighlyPenetrant. Last evaluated: 2013-09-19. Review status: no classification provided. Collection method: reference population. Allele origin: germline. Not counted in ClinVar's aggregate classification.
Comment: Please see associated publication for description of ethnicities

Literature cited by the submitters: PubMed 24728327 (cited by ITMI).

NM_144997.7(FLCN):c.134C>G (p.Ala45Gly)

Gene: FLCN (folliculin; minus strand). Cytogenetic location: 17p11.2.
Variant type: single nucleotide variant.
Coding change: c.134C>G on transcript NM_144997.7 (MANE Select); coding-DNA position 134, C replaced by G.
Protein change: p.Ala45Gly; replaces alanine 45 with glycine.
Molecular consequence: missense variant.
Genome position (GRCh38, 1-based): chr17:17,228,004, G>C on the plus strand (C>G on the coding strand, the complement: FLCN is on the minus strand). VCF-style: chr17-17228004-G-C. GRCh37 (hg19) VCF-style: chr17-17131318-G-C.
Other names: c.134C>G (LRG_325t1); c.134C>G, p.Ala45Gly (NM_001353229.2, NM_001353230.2, NM_001353231.2 and 1 more transcripts); short protein forms A45G.
Identifiers: ClinVar variation 134423 (VCV000134423.18), dbSNP rs556510460, ClinGen allele CA159761.